The following is an entry in ClinVar:

NM_201253.3(CRB1):c.3152G>A (p.Trp1051Ter)

Gene: CRB1 (crumbs cell polarity complex component 1; plus strand). Cytogenetic location: 1q31.3.
Variant type: single nucleotide variant.
Coding change: c.3152G>A on transcript NM_201253.3 (MANE Select); coding-DNA position 3152, G replaced by A.
Protein change: p.Trp1051Ter; replaces tryptophan 1051 with a stop codon.
Molecular consequence: nonsense. On other transcripts: non-coding transcript variant (2), intron variant (1).
Genome position (GRCh38, 1-based): chr1:197,435,015, G>A. VCF-style: chr1-197435015-G-A. GRCh37 (hg19) VCF-style: chr1-197404145-G-A.
Other names: c.2816G>A, p.Trp939Ter (NM_001193640.2); c.3080G>A, p.Trp1027Ter (NM_001257965.2); c.2129-585G>A (NM_001257966.2); short protein forms W1051*, W939*, W1027*.
Identifiers: ClinVar variation 2202911 (VCV002202911.4), dbSNP rs1665070172, ClinGen allele CA344046087.

ClinVar aggregate classification (germline): Pathogenic (1 of 4 stars; one submission).

Conditions:
Retinitis pigmentosa 12 (RP12). Also called: RP WITH OR WITHOUT PRESERVED PARAARTERIOLE RETINAL PIGMENT EPITHELIUM; RETINITIS PIGMENTOSA WITH OR WITHOUT PARAARTERIOLAR PRESERVATION OF RETINAL PIGMENT EPITHELIUM; RP WITH OR WITHOUT PPRPE. Identifiers: Orphanet 791, MedGen C1838647, MONDO:0010818, OMIM 600105.
Leber congenital amaurosis 8 (LCA8). Identifiers: Orphanet 65, MedGen C3151202, MONDO:0013453, OMIM 613835.

Allele frequency attached by ClinVar (database versions not stated): TOPMed below 0.00001.
gnomAD v4.1: 1 of 1,613,924 alleles (0.000062%); highest among the groups gnomAD compares: South Asian, 0.0011%; no homozygotes.

Submission:

Labcorp Genetics (formerly Invitae), Labcorp
Classification: Pathogenic for Leber congenital amaurosis 8; Retinitis pigmentosa 12. Last evaluated: 2023-04-16. Review status: criteria provided, single submitter. Criteria: Invitae Variant Classification Sherloc (09022015). Collection method: clinical testing. Allele origin: germline.
Comment: For these reasons, this variant has been classified as Pathogenic. ClinVar contains an entry for this variant (Variation ID: 2202911). This premature translational stop signal has been observed in individual(s) with Leber congenital amaurosis (PMID: 17525851, 28341475). This variant is not present in population databases (gnomAD no frequency). This sequence change creates a premature translational stop signal (p.Trp1051*) in the CRB1 gene. It is expected to result in an absent or disrupted protein product. Loss-of-function variants in CRB1 are known to be pathogenic (PMID: 10508521, 22065545, 23379534, 25412400, 26957898, 28041643, 29391521).

Literature cited by the submitters: PubMed 17525851; PubMed 28341475; PubMed 10508521; PubMed 22065545; PubMed 23379534; PubMed 25412400; PubMed 26957898; PubMed 28041643; PubMed 29391521.